The following is an entry in ClinVar:

ClinVar aggregate classification (germline): Uncertain significance (1 of 4 stars; one submission).

Conditions:
Severe combined immunodeficiency due to CORO1A deficiency. Also called: IMMUNODEFICIENCY 8 WITH LYMPHOPROLIFERATION; Immunodeficiency 8. Identifiers: Orphanet 228003, MedGen C3809383, MONDO:0014168, OMIM 615401.

Allele frequency attached by ClinVar (database versions not stated): ExAC 0.00001; 1000 Genomes Project 0.00020; 1000 Genomes Project 30x 0.00031.
gnomAD v4.1: 42 of 1,611,856 alleles (0.0026%); highest among the groups gnomAD compares: Non-Finnish European, 0.0035%; no homozygotes.

Submission:

Labcorp Genetics (formerly Invitae), Labcorp
Classification: Uncertain significance for Severe combined immunodeficiency due to CORO1A deficiency. Last evaluated: 2025-12-15. Review status: criteria provided, single submitter. Criteria: Invitae Variant Classification Sherloc (09022015). Collection method: clinical testing. Allele origin: germline.
Comment: This sequence change replaces proline, which is neutral and non-polar, with threonine, which is neutral and polar, at codon 123 of the CORO1A protein (p.Pro123Thr). This variant is present in population databases (rs201721540, gnomAD 0.002%). This variant has not been reported in the literature in individuals affected with CORO1A-related conditions. ClinVar contains an entry for this variant (Variation ID: 1376036). Invitae Evidence Modeling of protein sequence and biophysical properties (such as structural, functional, and spatial information, amino acid conservation, physicochemical variation, residue mobility, and thermodynamic stability) indicates that this missense variant is expected to disrupt CORO1A protein function with a positive predictive value of 80%. In summary, the available evidence is currently insufficient to determine the role of this variant in disease. Therefore, it has been classified as a Variant of Uncertain Significance.

NM_007074.4(CORO1A):c.367C>A (p.Pro123Thr)

Gene: CORO1A (coronin 1A; plus strand). Cytogenetic location: 16p11.2.
Variant type: single nucleotide variant.
Coding change: c.367C>A on transcript NM_007074.4 (MANE Select); coding-DNA position 367, C replaced by A.
Protein change: p.Pro123Thr; replaces proline 123 with threonine.
Molecular consequence: missense variant.
Genome position (GRCh38, 1-based): chr16:30,186,861, C>A. VCF-style: chr16-30186861-C-A. GRCh37 (hg19) VCF-style: chr16-30198182-C-A.
Other names: c.367C>A, p.Pro123Thr (NM_001193333.3); short protein forms P123T.
Identifiers: ClinVar variation 1376036 (VCV001376036.7), dbSNP rs201721540, ClinGen allele CA8003105.